The following is an entry in ClinVar:

ClinVar aggregate classification (germline): Likely pathogenic. Review status: criteria provided, multiple submitters, no conflicts (2 of 4 stars). 4 submissions from 4 submitters: Likely pathogenic (4). Last evaluated 2025-06-20.

Conditions:
KIAA0586-related disorder. Also called: KIAA0586-related condition; KIAA0586- Related disorders.
Joubert syndrome 23 (JBTS23). Identifiers: Orphanet 475, MedGen C4084822, MONDO:0014664, OMIM 616490.
Short-rib thoracic dysplasia 14 with polydactyly (SRTD14). Identifiers: Orphanet 397715, MedGen C4225286, MONDO:0014688, OMIM 616546.

Allele frequency attached by ClinVar (database versions not stated): gnomAD 0.00001; gnomAD exomes 0.00001 and 0.00004; TOPMed 0.00002.
gnomAD v4.1: 55 of 1,458,188 alleles (0.0038%); highest among the groups gnomAD compares: Non-Finnish European, 0.0049%; no homozygotes.

Submissions (5):

First Genomix Gene Laboratory, Genetic Diagnostics Department
Classification: Likely pathogenic for Joubert syndrome 23; Short-rib thoracic dysplasia 14 with polydactyly. Last evaluated: 2025-06-20. Review status: criteria provided, single submitter. Criteria: ACMG Guidelines, 2015. Collection method: clinical testing. Allele origin: germline. Inheritance: Autosomal recessive inheritance. Affected: no. Observed: 1 variant allele.

Labcorp Genetics (formerly Invitae), Labcorp
Classification: Likely pathogenic for Joubert syndrome 23; Short-rib thoracic dysplasia 14 with polydactyly. Last evaluated: 2024-12-02. Review status: criteria provided, single submitter. Criteria: Invitae Variant Classification Sherloc (09022015). Collection method: clinical testing. Allele origin: germline.
Comment: This sequence change affects an acceptor splice site in intron 30 of the KIAA0586 gene. It is expected to disrupt RNA splicing. Variants that disrupt the donor or acceptor splice site typically lead to a loss of protein function (PMID: 16199547), and loss-of-function variants in KIAA0586 are known to be pathogenic (PMID: 26096313, 26166481, 26386044). The frequency data for this variant in the population databases is considered unreliable, as metrics indicate poor data quality at this position in the gnomAD database. This variant has not been reported in the literature in individuals affected with KIAA0586-related conditions. ClinVar contains an entry for this variant (Variation ID: 1489936). Algorithms developed to predict the effect of sequence changes on RNA splicing suggest that this variant may disrupt the consensus splice site. In summary, the currently available evidence indicates that the variant is pathogenic, but additional data are needed to prove that conclusively. Therefore, this variant has been classified as Likely Pathogenic.

Pittsburgh Clinical Genomics Laboratory, University of Pittsburgh Medical Center
Classification: Likely pathogenic for Joubert syndrome 23. Last evaluated: 2022-09-12. Review status: criteria provided, single submitter. Criteria: ACMG Guidelines, 2015. Collection method: clinical testing. Allele origin: germline. Inheritance: Autosomal recessive inheritance. Affected: yes.
Comment: This sequence variant is a single nucleotide substitution (A>G) 2 bases upstream of exon 31 of the KIAA0586 gene. This variant falls within the consensus splice site and is expected to disrupt normal mR splicing. This is a previously reported variant (ClinVar) that has not been observed in the literature in individuals with KIAA0586-related illness, to our knowledge. This variant is present in the gnomAD control population dataset (1 of 130790 alleles or 0.0007%). Bioinformatic tools predict that this variant would have a strong effect on mR splicing and the nucleotide at this position is highly conserved across the mammalian species examined. Functiol studies confirming the effect of this nucleotide change on splicing have not been performed, to our knowledge. Because canonical splice site variants are a known mechanism of disease for KIAA0586 (PMID: 26096313), we consider this variant to be likely pathogenic. ACMG Criteria: PM2, PVS1

Blueprint Genetics
Classification: Likely pathogenic for KIAA0586-related disorders. Last evaluated: 2022-06-21. Review status: criteria provided, single submitter. Criteria: ACMG Guidelines, 2015. Collection method: clinical testing. Allele origin: germline. Affected: yes. Observed: 5 variant alleles.

Dr. Peter K. Rogan Lab, Western University
No classification provided (evidence only). Condition: Clear cell carcinoma of kidney. Review status: no classification provided. Collection method: in vitro. Allele origin: not applicable. Functional consequence: skipped exon. Not counted in ClinVar's aggregate classification.

Literature cited by the submitters: PubMed 16199547 (cited by Labcorp Genetics (formerly Invitae), Labcorp); PubMed 26096313 (cited by Labcorp Genetics (formerly Invitae), Labcorp and Pittsburgh Clinical Genomics Laboratory, University of Pittsburgh Medical Center); PubMed 26166481 (cited by Labcorp Genetics (formerly Invitae), Labcorp); PubMed 26386044 (cited by Labcorp Genetics (formerly Invitae), Labcorp).

NM_001329943.3(KIAA0586):c.4324-2A>G

Gene: KIAA0586 (KIAA0586; plus strand). Cytogenetic location: 14q23.1.
Variant type: single nucleotide variant.
Coding change: c.4324-2A>G on transcript NM_001329943.3 (MANE Select); the canonical splice acceptor site of the intron before coding-DNA position 4324, A replaced by G.
Molecular consequence: splice acceptor variant.
Genome position (GRCh38, 1-based): chr14:58,512,520, A>G. VCF-style: chr14-58512520-A-G. GRCh37 (hg19) VCF-style: chr14-58979238-A-G.
Other names: c.4483-2A>G (NM_001244189.2); c.4279-2A>G (NM_001244190.2); c.4192-2A>G (NM_001244192.2, NM_001329947.2); c.4069-2A>G (NM_001244191.2, NM_001364701.2, NM_001329945.2 and 1 more transcripts); c.4324-2A>G (NM_001329944.2, NM_001329946.2); c.4096-2A>G (NM_014749.5); c.3904-2A>G (NM_001244193.2).
Identifiers: ClinVar variation 1489936 (VCV001489936.10), dbSNP rs763815640, ClinGen allele CA7206371.